The following is an entry in ClinVar:

NM_006767.4(LZTR1):c.1956C>A (p.Ile652=)

Gene: LZTR1 (leucine zipper like post translational regulator 1; plus strand). Cytogenetic location: 22q11.21.
Variant type: single nucleotide variant.
Coding change: c.1956C>A on transcript NM_006767.4 (MANE Select); coding-DNA position 1956, C replaced by A.
Protein change: p.Ile652=; no amino-acid change (isoleucine 652 retained).
Molecular consequence: synonymous variant.
Genome position (GRCh38, 1-based): chr22:20,995,759, C>A. VCF-style: chr22-20995759-C-A. GRCh37 (hg19) VCF-style: chr22-21350048-C-A.
Identifiers: ClinVar variation 2708957 (VCV002708957.3), dbSNP rs1454067196, ClinGen allele CA513699321.

ClinVar aggregate classification (germline): Uncertain significance (1 of 4 stars; one submission).

Submission:

Labcorp Genetics (formerly Invitae), Labcorp
Classification: Uncertain significance. Last evaluated: 2024-01-11. Review status: criteria provided, single submitter. Criteria: Invitae Variant Classification Sherloc (09022015). Collection method: clinical testing. Allele origin: germline.
Comment: This sequence change affects codon 652 of the LZTR1 mRNA. It is a 'silent' change, meaning that it does not change the encoded amino acid sequence of the LZTR1 protein. This variant is not present in population databases (gnomAD no frequency). This variant has not been reported in the literature in individuals affected with LZTR1-related conditions. Algorithms developed to predict the effect of sequence changes on RNA splicing suggest that this variant may create or strengthen a splice site. In summary, the available evidence is currently insufficient to determine the role of this variant in disease. Therefore, it has been classified as a Variant of Uncertain Significance.